The following is an entry in ClinVar:

NM_000082.4(ERCC8):c.234A>T (p.Arg78Ser)

Gene: ERCC8 (ERCC excision repair 8, CSA ubiquitin ligase complex subunit; minus strand). Cytogenetic location: 5q12.1.
Variant type: single nucleotide variant.
Coding change: c.234A>T on transcript NM_000082.4 (MANE Select); coding-DNA position 234, A replaced by T.
Protein change: p.Arg78Ser; replaces arginine 78 with serine.
Molecular consequence: missense variant. On other transcripts: 5 prime UTR variant (1).
Genome position (GRCh38, 1-based): chr5:60,922,095, T>A on the plus strand (A>T on the coding strand, the complement: ERCC8 is on the minus strand). VCF-style: chr5-60922095-T-A. GRCh37 (hg19) VCF-style: chr5-60217922-T-A.
Other names: c.60A>T, p.Arg20Ser (NM_001007233.3); c.234A>T, p.Arg78Ser (NM_001007234.3); c.-144A>T (NM_001290285.2); short protein forms R20S, R78S.
Identifiers: ClinVar variation 1804523 (VCV001804523.1), dbSNP rs372707555, ClinGen allele CA118865266.

ClinVar aggregate classification (germline): Uncertain significance (1 of 4 stars; one submission).

Allele frequency attached by ClinVar (database versions not stated): gnomAD 0.00003; gnomAD exomes 0.00003; TOPMed 0.00003; ESP Exome Variant Server 0.00008.

Submission:

GeneDx
Classification: Uncertain significance. Last evaluated: 2022-06-09. Review status: criteria provided, single submitter. Criteria: GeneDx Variant Classification Process June 2021. Collection method: clinical testing. Allele origin: germline. Affected: yes.
Comment: Not observed at significant frequency in large population cohorts (gnomAD); In silico analysis supports that this missense variant does not alter protein structure/function; Has not been previously published as pathogenic or benign to our knowledge